The following is an entry in ClinVar:

ClinVar aggregate classification (germline): Uncertain significance (1 of 4 stars; one submission).

Submission:

GeneDx
Classification: Uncertain significance. Last evaluated: 2025-06-17. Review status: criteria provided, single submitter. Criteria: GeneDx Variant Classification Process June 2021. Collection method: clinical testing. Allele origin: germline. Affected: yes.
Comment: Not observed at significant frequency in large population cohorts (gnomAD); In silico analysis suggests that this missense variant does not alter protein structure/function; Has not been previously published as pathogenic or benign to our knowledge

NM_139058.3(ARX):c.421G>C (p.Gly141Arg)

Genes: ARX (aristaless related homeobox; minus strand), LOC109610631 (aristaless related homeobox polyalanine expansion region; plus strand). Cytogenetic location: Xp21.3.
Variant type: single nucleotide variant.
Coding change: c.421G>C on transcript NM_139058.3 (MANE Select); coding-DNA position 421, G replaced by C.
Protein change: p.Gly141Arg; replaces glycine 141 with arginine.
Molecular consequence: missense variant.
Genome position (GRCh38, 1-based): chrX:25,013,574, C>G on the plus strand (G>C on the coding strand, the complement: ARX is on the minus strand). VCF-style: chrX-25013574-C-G. GRCh37 (hg19) VCF-style: chrX-25031691-C-G.
Other names: short protein forms G141R.
Identifiers: ClinVar variation 4538670 (VCV004538670.1).
Genomic context (GRCh38, chrX:25,013,574, plus strand): 5'-TCTTGAGCGTGTCCCAGGCCGCGGCGGCCGCGGCCGCGGCTGCCGCGGCGGCCCCTGCGC[C>G]GTCCGGCCGTTCCCCGGGCCGCGCGGTTGGCGGTGGCGGCGGAGGGGCCTCCCCGCGTGG-3'
Protein context (NP_620689.1, residues 131-151): PTARPGERPD[Gly141Arg]AGAAAAAAAA